The following is an entry in ClinVar:

NM_001614.5(ACTG1):c.803-7C>T

Gene: ACTG1 (actin gamma 1; minus strand). Cytogenetic location: 17q25.3.
Variant type: single nucleotide variant.
Coding change: c.803-7C>T on transcript NM_001614.5 (MANE Select); 7 bases into the intron before coding-DNA position 803, C replaced by T.
Molecular consequence: intron variant.
Genome position (GRCh38, 1-based): chr17:81,511,115, G>A on the plus strand (C>T on the coding strand, the complement: ACTG1 is on the minus strand). VCF-style: chr17-81511115-G-A. GRCh37 (hg19) VCF-style: chr17-79478141-G-A.
Other names: c.803-7C>T (NM_001199954.3).
Identifiers: ClinVar variation 505843 (VCV000505843.17), dbSNP rs150136833, ClinGen allele CA8835942.

ClinVar aggregate classification (germline): Likely benign. Review status: criteria provided, multiple submitters, no conflicts (2 of 4 stars). 4 submissions from 4 submitters: Likely benign (3). 1 of the submissions does not count toward it. Last evaluated 2026-02-03.

Conditions:
Autosomal dominant nonsyndromic hearing loss 20. Identifiers: Orphanet 90635, MedGen C1858172, MONDO:0011480, OMIM 604717.
Baraitser-winter syndrome 2. Identifiers: Orphanet 2995, MedGen C3281235, MONDO:0013812, OMIM 614583.
ACTG1-related disorder. Also called: ACTG1-related condition; ACTG1-related disorders.

Allele frequency attached by ClinVar (database versions not stated): ExAC 0.00009; TOPMed 0.00009; 1000 Genomes Project 0.00060; 1000 Genomes Project 30x 0.00078.
gnomAD v4.1: 78 of 1,613,952 alleles (0.0048%); highest among the groups gnomAD compares: Middle Eastern, 0.033%; no homozygotes.

Submissions (4):

Labcorp Genetics (formerly Invitae), Labcorp
Classification: Likely benign for Baraitser-winter syndrome 2; Autosomal dominant nonsyndromic hearing loss 20. Last evaluated: 2026-02-03. Review status: criteria provided, single submitter. Criteria: Invitae Variant Classification Sherloc (09022015). Collection method: clinical testing. Allele origin: germline.

Blueprint Genetics
Classification: Likely benign. Last evaluated: 2024-07-23. Review status: criteria provided, single submitter. Criteria: ACMG Guidelines, 2015. Collection method: clinical testing. Allele origin: germline.

Laboratory for Molecular Medicine, Mass General Brigham Personalized Medicine
Classification: Likely benign. Last evaluated: 2017-06-18. Review status: criteria provided, single submitter. Criteria: LMM Criteria. Collection method: clinical testing. Allele origin: germline. Observed: 1 variant allele.
Comment: c.803-7C>T in intron 4 of ACTG1: This variant is not expected to have clinical s ignificance because a C>T change at this position does not diverge from the spli ce consensus sequence and is therefore unlikely to impact splicing. It has been identified in 19/277127 total chromosomes by the genome Aggregation Database (gn omAD; dbSNP rs150136833).

PreventionGenetics, part of Exact Sciences
Classification: Likely benign for ACTG1-related condition. Last evaluated: 2020-07-14. Review status: no assertion criteria provided. Collection method: clinical testing. Allele origin: germline. Not counted in ClinVar's aggregate classification.
Comment: This variant is classified as likely benign based on ACMG/AMP sequence variant interpretation guidelines (Richards et al. 2015 PMID: 25741868, with internal and published modifications).